The following is an entry in ClinVar:

ClinVar aggregate classification (germline): Pathogenic (1 of 4 stars; one submission).

Conditions:
Early-infantile DEE. Also called: Ohtahara syndrome; Early infantile epileptic encephalopathy with suppression bursts; Early infantile epileptic encephalopathy. Identifiers: Orphanet 1934, MedGen C0393706, MONDO:0800491.

Allele frequency attached by ClinVar (database versions not stated): gnomAD exomes below 0.00001; gnomAD 0.00001; 1000 Genomes Project 30x 0.00016.

Submission:

Labcorp Genetics (formerly Invitae), Labcorp
Classification: Pathogenic for Early-infantile DEE. Last evaluated: 2022-09-18. Review status: criteria provided, single submitter. Criteria: Invitae Variant Classification Sherloc (09022015). Collection method: clinical testing. Allele origin: germline.
Comment: This sequence change creates a premature translational stop signal (p.Gln254*) in the SLC25A22 gene. It is expected to result in an absent or disrupted protein product. Loss-of-function variants in SLC25A22 are known to be pathogenic (PMID: 15592994, 19780765). This variant is not present in population databases (gnomAD no frequency). This variant has not been reported in the literature in individuals affected with SLC25A22-related conditions. For these reasons, this variant has been classified as Pathogenic.

Literature cited by the submitters: PubMed 15592994; PubMed 19780765.

NM_001191061.2(SLC25A22):c.760C>T (p.Gln254Ter)

Gene: SLC25A22 (solute carrier family 25 member 22; minus strand). Cytogenetic location: 11p15.5.
Variant type: single nucleotide variant.
Coding change: c.760C>T on transcript NM_001191061.2 (MANE Select); coding-DNA position 760, C replaced by T.
Protein change: p.Gln254Ter; replaces glutamine 254 with a stop codon.
Molecular consequence: nonsense.
Genome position (GRCh38, 1-based): chr11:792,200, G>A on the plus strand (C>T on the coding strand, the complement: SLC25A22 is on the minus strand). VCF-style: chr11-792200-G-A. GRCh37 (hg19) VCF-style: chr11-792200-G-A.
Other names: c.760C>T, p.Gln254Ter (NM_001191060.2, NM_024698.6); short protein forms Q254*.
Identifiers: ClinVar variation 2031100 (VCV002031100.4), dbSNP rs2133698720, ClinGen allele CA378967918.
Genomic context (GRCh38, chr11:792,200, plus strand): 5'-ACCTGGCACAGTCCAGGATCCCAGAGTAGGTGTCCTCGTTGACGCCTCGCTGAAGTGACT[G>A]GAGCCGCGTCTTCACCACTGCAAGGGGCGCTCGGGTCAGTGTGAGCCTGGCCAAGGGCTC-3'